The following is an entry in ClinVar:

ClinVar aggregate classification (germline): Uncertain significance (1 of 4 stars; one submission).

Conditions:
Epidermolysis bullosa simplex, Ogna type (EBS5A). Also called: Pidermolysis bullosa simplex 5A, Ogna type; EPIDERMOLYSIS BULLOSA SIMPLEX 5A, OGNA TYPE. Identifiers: Orphanet 79401, MedGen C0432317, MONDO:0007555, OMIM 131950.
Epidermolysis bullosa simplex 5C, with pyloric atresia (EBS5C). Also called: PLEC-Related Epidermolysis Bullosa with Pyloric Atresia; Epidermolysis bullosa simplex with pyloric atresia; PLEC1-Related Epidermolysis Bullosa with Pyloric Atresia. Identifiers: Orphanet 158684, MedGen C2677349, MONDO:0012807, OMIM 612138.
Autosomal recessive limb-girdle muscular dystrophy type 2Q (LGMDR17). Also called: MUSCULAR DYSTROPHY, LIMB-GIRDLE, AUTOSOMAL RECESSIVE 17. Identifiers: Orphanet 254361, MedGen C3150989, MONDO:0013390, OMIM 613723.
Epidermolysis bullosa simplex with nail dystrophy (EBS5D). Identifiers: MedGen C4225309, MONDO:0014661, OMIM 616487.
Epidermolysis bullosa simplex 5B, with muscular dystrophy (EBS5B). Also called: EPIDERMOLYSIS BULLOSA SIMPLEX AND LIMB-GIRDLE MUSCULAR DYSTROPHY; Epidermolysis bullosa simplex with muscular dystrophy. Identifiers: Orphanet 257, MedGen C2931072, MONDO:0009181, OMIM 226670.

Submission:

Labcorp Genetics (formerly Invitae), Labcorp
Classification: Uncertain significance for Autosomal recessive limb-girdle muscular dystrophy type 2Q; Epidermolysis bullosa simplex, Ogna type; Epidermolysis bullosa simplex with nail dystrophy; Epidermolysis bullosa simplex 5C, with pyloric atresia; Epidermolysis bullosa simplex 5B, with muscular dystrophy. Last evaluated: 2024-12-05. Review status: criteria provided, single submitter. Criteria: Invitae Variant Classification Sherloc (09022015). Collection method: clinical testing. Allele origin: germline.
Comment: This sequence change falls in intron 13 of the PLEC gene. It does not directly change the encoded amino acid sequence of the PLEC protein. It affects a nucleotide within the consensus splice site. This variant is not present in population databases (gnomAD no frequency). This variant has not been reported in the literature in individuals affected with PLEC-related conditions. ClinVar contains an entry for this variant (Variation ID: 2023270). Variants that disrupt the consensus splice site are a relatively common cause of aberrant splicing (PMID: 17576681, 9536098). Algorithms developed to predict the effect of sequence changes on RNA splicing suggest that this variant may disrupt the consensus splice site. In summary, the available evidence is currently insufficient to determine the role of this variant in disease. Therefore, it has been classified as a Variant of Uncertain Significance.

Literature cited by the submitters: PubMed 17576681; PubMed 9536098.

NM_201384.3(PLEC):c.1264-3C>G

Gene: PLEC (plectin; minus strand). Cytogenetic location: 8q24.3.
Variant type: single nucleotide variant.
Coding change: c.1264-3C>G on transcript NM_201384.3 (MANE Select); 3 bases into the intron before coding-DNA position 1264, C replaced by G.
Molecular consequence: intron variant.
Genome position (GRCh38, 1-based): chr8:143,933,354, G>C on the plus strand (C>G on the coding strand, the complement: PLEC is on the minus strand). VCF-style: chr8-143933354-G-C. GRCh37 (hg19) VCF-style: chr8-145007522-G-C.
Other names: c.1345-3C>G (NM_000445.5); c.1222-3C>G (NM_201378.4); c.1198-3C>G (NM_201379.3); c.1675-3C>G (NM_201380.4); c.1168-3C>G (NM_201381.3); c.1264-3C>G (NM_201382.4); c.1276-3C>G (NM_201383.3).
Identifiers: ClinVar variation 2023270 (VCV002023270.4), dbSNP rs782725339, ClinGen allele CA2580078634.
Genomic context (GRCh38, chr8:143,933,354, plus strand): 5'-CCCGTTCCACCTCCCCCGCCCGCTGTGGCACTTTGCCTGCAGCCAGCAGCCGGACATCCT[G>C]CAAGGTCGTTGCCATGACTCGGAGCACAGCTGATCCCCCTCTGACCTCACAGGGGCCCCG-3'